The following is an entry in ClinVar:

ClinVar aggregate classification (germline): Uncertain significance. Review status: criteria provided, multiple submitters, no conflicts (2 of 4 stars). 3 submissions from 3 submitters: Uncertain significance (3). Last evaluated 2026-07-22.

Conditions:
COL12A1-related disorder. Also called: COL12A1-related condition.
Ullrich congenital muscular dystrophy 2 (UCMD2). Identifiers: Orphanet 75840, MedGen C4225314, MONDO:0014654, OMIM 616470.
Bethlem myopathy 2 (BTHLM2). Identifiers: Orphanet 536516, Orphanet 610, MedGen C4225313, MONDO:0034022, OMIM 616471.

Allele frequency attached by ClinVar (database versions not stated): gnomAD exomes below 0.00001; TOPMed below 0.00001; ExAC 0.00001; gnomAD 0.00001.

Submissions (3):

PreventionGenetics, part of Exact Sciences
Classification: Uncertain significance for COL12A1-related condition. Last evaluated: 2026-07-22. Review status: criteria provided, single submitter. Criteria: ACMG Guidelines, 2015. Collection method: clinical testing. Allele origin: germline.
Comment: The COL12A1 c.3886A>G variant is predicted to result in the amino acid substitution p.Met1296Val. To our knowledge, this variant has not been reported in the literature. This variant is reported in 0.00088% of alleles in individuals of European (Non-Finnish) descent in gnomAD. At this time, the clinical significance of this variant is uncertain due to the absence of conclusive functional and genetic evidence.

Labcorp Genetics (formerly Invitae), Labcorp
Classification: Uncertain significance for Bethlem myopathy 2; Ullrich congenital muscular dystrophy 2. Last evaluated: 2024-12-31. Review status: criteria provided, single submitter. Criteria: Invitae Variant Classification Sherloc (09022015). Collection method: clinical testing. Allele origin: germline.
Comment: This sequence change replaces methionine, which is neutral and non-polar, with valine, which is neutral and non-polar, at codon 1296 of the COL12A1 protein (p.Met1296Val). This variant is present in population databases (rs746366215, gnomAD 0.0009%). This variant has not been reported in the literature in individuals affected with COL12A1-related conditions. ClinVar contains an entry for this variant (Variation ID: 2688815). Invitae Evidence Modeling of protein sequence and biophysical properties (such as structural, functional, and spatial information, amino acid conservation, physicochemical variation, residue mobility, and thermodynamic stability) indicates that this missense variant is not expected to disrupt COL12A1 protein function with a negative predictive value of 80%. In summary, the available evidence is currently insufficient to determine the role of this variant in disease. Therefore, it has been classified as a Variant of Uncertain Significance.

Revvity Omics, Revvity
Classification: Uncertain significance. Last evaluated: 2023-05-01. Review status: criteria provided, single submitter. Criteria: ACMG Guidelines, 2015. Collection method: clinical testing. Allele origin: germline.

NM_004370.6(COL12A1):c.3886A>G (p.Met1296Val)

Gene: COL12A1 (collagen type XII alpha 1 chain; minus strand). Cytogenetic location: 6q13.
Variant type: single nucleotide variant.
Coding change: c.3886A>G on transcript NM_004370.6 (MANE Select); coding-DNA position 3886, A replaced by G.
Protein change: p.Met1296Val; replaces methionine 1296 with valine.
Molecular consequence: missense variant.
Genome position (GRCh38, 1-based): chr6:75,151,981, T>C on the plus strand (A>G on the coding strand, the complement: COL12A1 is on the minus strand). VCF-style: chr6-75151981-T-C. GRCh37 (hg19) VCF-style: chr6-75861697-T-C.
Other names: c.3886A>G (NM_004370.5); c.3886A>G, p.Met1296Val (NM_001424113.1, NM_001424114.1); c.3613A>G, p.Met1205Val (NM_001424115.1); c.394A>G, p.Met132Val (NM_001424116.1, NM_080645.3); short protein forms M1205V, M1296V, M132V.
Identifiers: ClinVar variation 2688815 (VCV002688815.5), dbSNP rs746366215, ClinGen allele CA3893594.